The following is an entry in ClinVar:

ClinVar aggregate classification (germline): Benign/Likely benign. Review status: criteria provided, multiple submitters, no conflicts (2 of 4 stars). 5 submissions from 5 submitters: Benign (3); Likely benign (1). 1 of the submissions does not count toward it. Last evaluated 2026-01-24.

Conditions:
Deficiency of alpha-mannosidase (MANSA). Also called: Mannosidosis, alpha-, types I and II; LYSOSOMAL ALPHA-D-MANNOSIDASE DEFICIENCY; Alpha-Mannosidosis. Identifiers: Orphanet 61, MedGen C0024748, MONDO:0009561, OMIM 248500.
MAN2B1-related disorder. Also called: MAN2B1-related condition.

Allele frequency attached by ClinVar (database versions not stated): gnomAD 0.00016 and 0.00022; TOPMed 0.00043; ExAC 0.00089; gnomAD exomes 0.00089; 1000 Genomes Project 30x 0.00125; 1000 Genomes Project 0.00140.

Submissions (5):

Labcorp Genetics (formerly Invitae), Labcorp
Classification: Benign for Deficiency of alpha-mannosidase. Last evaluated: 2026-01-24. Review status: criteria provided, single submitter. Criteria: Invitae Variant Classification Sherloc (09022015). Collection method: clinical testing. Allele origin: germline.

PreventionGenetics, part of Exact Sciences
Classification: Benign for MAN2B1-related condition. Last evaluated: 2024-10-29. Review status: criteria provided, single submitter. Criteria: ACMG Guidelines, 2015. Collection method: clinical testing. Allele origin: germline.
Comment: This variant is classified as benign based on ACMG/AMP sequence variant interpretation guidelines (Richards et al. 2015 PMID: 25741868, with internal and published modifications).

Blueprint Genetics
Classification: Likely benign. Last evaluated: 2024-10-07. Review status: criteria provided, single submitter. Criteria: ACMG Guidelines, 2015. Collection method: clinical testing. Allele origin: germline.

Illumina Laboratory Services, Illumina
Classification: Benign for Deficiency of alpha-mannosidase. Last evaluated: 2018-01-13. Review status: criteria provided, single submitter. Criteria: ICSL Variant Classification Criteria 13 December 2019. Collection method: clinical testing. Allele origin: germline.
Comment: This variant was observed in the ICSL laboratory as part of a predisposition screen in an ostensibly healthy population. It had not been previously curated by ICSL or reported in the Human Gene Mutation Database (HGMD: prior to June 1st, 2018), and was therefore a candidate for classification through an automated scoring system. Utilizing variant allele frequency, disease prevalence and penetrance estimates, and inheritance mode, an automated score was calculated to assess if this variant is too frequent to cause the disease. Based on the score and internal cut-off values, a variant classified as benign is not then subjected to further curation. The score for this variant resulted in a classification of benign for this disease.

Natera, Inc.
Classification: Benign for Alpha-mannosidosis. Last evaluated: 2019-12-31. Review status: no assertion criteria provided. Collection method: clinical testing. Allele origin: germline. Not counted in ClinVar's aggregate classification.

NM_000528.4(MAN2B1):c.2993G>A (p.Arg998His)

Gene: MAN2B1 (mannosidase alpha class 2B member 1; minus strand). Cytogenetic location: 19p13.13.
Variant type: single nucleotide variant.
Coding change: c.2993G>A on transcript NM_000528.4 (MANE Select); coding-DNA position 2993, G replaced by A.
Protein change: p.Arg998His; replaces arginine 998 with histidine.
Molecular consequence: missense variant.
Genome position (GRCh38, 1-based): chr19:12,646,663, C>T on the plus strand (G>A on the coding strand, the complement: MAN2B1 is on the minus strand). VCF-style: chr19-12646663-C-T. GRCh37 (hg19) VCF-style: chr19-12757477-C-T.
Other names: c.2990G>A, p.Arg997His (NM_001173498.2); short protein forms R997H, R998H.
Identifiers: ClinVar variation 729970 (VCV000729970.17), dbSNP rs202174515, ClinGen allele CA9225840.